The following is an entry in ClinVar:

NM_003998.4(NFKB1):c.269_270del (p.Tyr90fs)

Gene: NFKB1 (nuclear factor kappa B subunit 1; plus strand). Cytogenetic location: 4q24.
Variant type: Deletion.
Coding change: c.269_270del on transcript NM_003998.4 (MANE Select); coding-DNA positions 269 to 270, 2 bases deleted (AT; older notation c.269_270delAT).
Protein change: p.Tyr90fs; shifts the reading frame from tyrosine 90.
Molecular consequence: frameshift variant.
Genome position (GRCh38, 1-based): chr4:102,566,997-102,566,998, AT deleted; deleting any 2 consecutive bases within chr4:102,566,996-102,566,998 gives the same sequence; the c. name uses the placement nearest the transcript's 3' end. VCF-style (leftmost placement, unchanged base first): chr4-102566995-CTA-C. GRCh37 (hg19) VCF-style: chr4-103488152-CTA-C.
Other names: c.266_267del, p.Tyr89fs (NM_001165412.2, NM_001319226.2, NM_001382627.1); c.269_270del, p.Tyr90fs (NM_001382625.1, NM_001382626.1); c.227_228del, p.Tyr76fs (NM_001382628.1); short protein forms Y76fs, Y90fs, Y89fs.
Identifiers: ClinVar variation 2129437 (VCV002129437.4), dbSNP rs2476350261, ClinGen allele CA2580071338.

ClinVar aggregate classification (germline): Pathogenic (1 of 4 stars; one submission).

Submission:

Labcorp Genetics (formerly Invitae), Labcorp
Classification: Pathogenic. Last evaluated: 2024-04-10. Review status: criteria provided, single submitter. Criteria: Invitae Variant Classification Sherloc (09022015). Collection method: clinical testing. Allele origin: germline.
Comment: This sequence change creates a premature translational stop signal (p.Tyr90Cysfs*30) in the NFKB1 gene. It is expected to result in an absent or disrupted protein product. Loss-of-function variants in NFKB1 are known to be pathogenic (PMID: 26279205, 29477724). This variant is not present in population databases (gnomAD no frequency). This variant has not been reported in the literature in individuals affected with NFKB1-related conditions. ClinVar contains an entry for this variant (Variation ID: 2129437). For these reasons, this variant has been classified as Pathogenic.

Literature cited by the submitters: PubMed 26279205; PubMed 29477724.